The following is an entry in ClinVar:

NM_015045.5(WAPL):c.2949+1G>T

Gene: WAPL (WAPL cohesin release factor; minus strand). Cytogenetic location: 10q23.2.
Variant type: single nucleotide variant.
Coding change: c.2949+1G>T on transcript NM_015045.5 (MANE Select); the canonical splice donor site of the intron after coding-DNA position 2949, G replaced by T.
Molecular consequence: splice donor variant.
Genome position (GRCh38, 1-based): chr10:86,453,219, C>A on the plus strand (G>T on the coding strand, the complement: WAPL is on the minus strand). VCF-style: chr10-86453219-C-A. GRCh37 (hg19) VCF-style: chr10-88212976-C-A.
Other names: c.2931+1G>T (NM_001318328.2).
Identifiers: ClinVar variation 4975104 (VCV004975104.2).

ClinVar aggregate classification (germline): Pathogenic (1 of 4 stars; one submission).

Submission:

GeneDx
Classification: Pathogenic. Last evaluated: 2026-10-15. Review status: criteria provided, single submitter. Criteria: GeneDx Variant Classification Process June 2021. Collection method: clinical testing. Allele origin: germline.
Comment: Canonical splice site variant predicted to result in a null allele in a gene for which loss of function is a known mechanism of disease; Not observed at significant frequency in large population cohorts (gnomAD); This variant is associated with the following publications: (PMID: 42431198)